The following is an entry in ClinVar:

NM_004329.3(BMPR1A):c.54T>C (p.Ile18=)

Gene: BMPR1A (bone morphogenetic protein receptor type 1A; plus strand). Cytogenetic location: 10q23.2.
Variant type: single nucleotide variant.
Coding change: c.54T>C on transcript NM_004329.3 (MANE Select); coding-DNA position 54, T replaced by C.
Protein change: p.Ile18=; no amino-acid change (isoleucine 18 retained).
Molecular consequence: synonymous variant. On other transcripts: 5 prime UTR variant (1), non-coding transcript variant (3), intron variant (4).
Genome position (GRCh38, 1-based): chr10:86,876,072, T>C. VCF-style: chr10-86876072-T-C. GRCh37 (hg19) VCF-style: chr10-88635829-T-C.
Other names: c.54T>C, p.Ile18= (NM_001406574.1, NM_001406575.1, NM_001406576.1 and 23 more transcripts); c.-26T>C (NM_001406588.1); c.-17-13990T>C (NM_001406584.1, NM_001406587.1, NM_001406585.1); c.-12-13995T>C (NM_001406586.1).
Identifiers: ClinVar variation 3378520 (VCV003378520.1).

ClinVar aggregate classification (germline): Benign (1 of 4 stars; one submission).

Conditions:
Juvenile polyposis syndrome (JPS). Identifiers: Orphanet 2929, MedGen C0345893, MONDO:0017380, OMIM 174900.

Submission:

Myriad Genetics, Inc.
Classification: Benign for Juvenile polyposis syndrome. Last evaluated: 2024-07-30. Review status: criteria provided, single submitter. Criteria: Myriad Autosomal Dominant, Autosomal Recessive and X-Linked Classification Criteria (2023). Collection method: clinical testing. Allele origin: unknown.
Comment: This variant is considered benign. This variant is a silent/synonymous amino acid change and it is not expected to impact splicing.